The following is an entry in ClinVar:

ClinVar aggregate classification (germline): Likely benign (1 of 4 stars; one submission).

Allele frequency attached by ClinVar (database versions not stated): gnomAD exomes 0.00001; TOPMed 0.00002; ExAC 0.00001; gnomAD 0.00001.
gnomAD v4.1: 11 of 1,613,828 alleles (0.00068%); highest among the groups gnomAD compares: Non-Finnish European, 0.00093%; no homozygotes.

Submission:

GeneDx
Classification: Likely benign. Last evaluated: 2017-06-08. Review status: criteria provided, single submitter. Criteria: GeneDx Variant Classification (06012015). Collection method: clinical testing. Allele origin: germline. Affected: yes.
Comment: This variant is considered likely benign or benign based on one or more of the following criteria: it is a conservative change, it occurs at a poorly conserved position in the protein, it is predicted to be benign by multiple in silico algorithms, and/or has population frequency not consistent with disease.

NM_001378120.1(MBD5):c.4962+16T>G

Gene: MBD5 (methyl-CpG binding domain protein 5; plus strand). Cytogenetic location: 2q23.1.
Variant type: single nucleotide variant.
Coding change: c.4962+16T>G on transcript NM_001378120.1 (MANE Select); 16 bases into the intron after coding-DNA position 4962, T replaced by G.
Molecular consequence: intron variant.
Genome position (GRCh38, 1-based): chr2:148,490,610, T>G. VCF-style: chr2-148490610-T-G. GRCh37 (hg19) VCF-style: chr2-149248179-T-G.
Other names: c.4263+16T>G (NM_018328.5).
Identifiers: ClinVar variation 509849 (VCV000509849.1), dbSNP rs760744123, ClinGen allele CA1900493.